The following is an entry in ClinVar:

ClinVar aggregate classification (germline): Likely pathogenic (1 of 4 stars; one submission).

Conditions:
Familial hemophagocytic lymphohistiocytosis (FHL). Also called: Familial erythrophagocytic lymphohistiocytosis; Familial histiocytic reticulosis; Hereditary hemophagocytic lymphohistiocytosis. Identifiers: Orphanet 158038, Orphanet 540, MedGen C0272199, MONDO:0015541.

Submission:

Women's Health and Genetics/Laboratory Corporation of America, LabCorp
Classification: Likely pathogenic for Familial hemophagocytic lymphohistiocytosis. Last evaluated: 2026-02-09. Review status: criteria provided, single submitter. Criteria: LabCorp Variant Classification Summary - May 2015. Collection method: clinical testing. Allele origin: germline.
Comment: Variant summary: PRF1 c.601C>A (p.Pro201Thr) results in a non-conservative amino acid change in the encoded protein sequence. Algorithms developed to predict the effect of missense changes on protein structure and function all suggest that this variant is likely to be disruptive. The variant was absent in 248538 control chromosomes (gnomAD). c.601C>A has been observed in at least one compound heterozygous individual affected with Familial Hemophagocytic Lymphohistiocytosis (Zur_2006). Two publications report experimental evidence evaluating an impact on protein function and this variant affects PRF1 protein function (Chia_2009, Noori_2023). The following publications have been ascertained in the context of this evaluation (PMID: 23592409, 19487666, 36706356, 16278825). No submitters have cited clinical-significance assessments for this variant to ClinVar. Based on the evidence outlined above, the variant was classified as likely pathogenic.

Literature cited by the submitters: PubMed 23592409; PubMed 19487666; PubMed 16278825; PubMed 36706356.

NM_001083116.3(PRF1):c.601C>A (p.Pro201Thr)

Gene: PRF1 (perforin 1; minus strand). Cytogenetic location: 10q22.1.
Variant type: single nucleotide variant.
Coding change: c.601C>A on transcript NM_001083116.3 (MANE Select); coding-DNA position 601, C replaced by A.
Protein change: p.Pro201Thr; replaces proline 201 with threonine.
Molecular consequence: missense variant.
Genome position (GRCh38, 1-based): chr10:70,599,120, G>T on the plus strand (C>A on the coding strand, the complement: PRF1 is on the minus strand). VCF-style: chr10-70599120-G-T. GRCh37 (hg19) VCF-style: chr10-72358876-G-T.
Other names: c.601C>A, p.Pro201Thr (NM_005041.6); short protein forms P201T.
Identifiers: ClinVar variation 4847951 (VCV004847951.1).
Genomic context (GRCh38, chr10:70,599,120, plus strand): 5'-TGCCGTAGTTGGAGATAAGCCTGAGGTAGGCGGGCTGGGTGGAGGCGTTGAAGTGGTGGG[G>T]CAGGTCCCCGAGGGCCCTCTTGAAGTCAGGGTGCAGCGGGGGAGTGTGTACCACATGGAA-3'
Protein context (NP_001076585.1, residues 191-211): PDFKRALGDL[Pro201Thr]HHFNASTQPA